The following is an entry in ClinVar:

ClinVar aggregate classification (germline): Likely benign. Review status: criteria provided, multiple submitters, no conflicts (2 of 4 stars). 3 submissions from 3 submitters: Likely benign (2). 1 of the submissions does not count toward it. Last evaluated 2026-01-15.

Conditions:
BEST1-related disorder. Also called: BEST1-related condition; BEST1-related disorders. Identifiers: MedGen CN239200.

Allele frequency attached by ClinVar (database versions not stated): gnomAD 0.00001; TOPMed 0.00002; ExAC 0.00004; gnomAD exomes 0.00004 and 0.00019; ESP Exome Variant Server 0.00008.
gnomAD v4.1: 271 of 1,614,030 alleles (0.017%); highest among the groups gnomAD compares: Non-Finnish European, 0.023%; no homozygotes.

Submissions (3):

Labcorp Genetics (formerly Invitae), Labcorp
Classification: Likely benign. Last evaluated: 2026-01-15. Review status: criteria provided, single submitter. Criteria: Invitae Variant Classification Sherloc (09022015). Collection method: clinical testing. Allele origin: germline.

Blueprint Genetics
Classification: Likely benign. Last evaluated: 2023-09-18. Review status: criteria provided, single submitter. Criteria: ACMG Guidelines, 2015. Collection method: clinical testing. Allele origin: germline.

PreventionGenetics, part of Exact Sciences
Classification: Likely benign for BEST1-related condition. Last evaluated: 2019-03-11. Review status: no assertion criteria provided. Collection method: clinical testing. Allele origin: germline. Not counted in ClinVar's aggregate classification.
Comment: This variant is classified as likely benign based on ACMG/AMP sequence variant interpretation guidelines (Richards et al. 2015 PMID: 25741868, with internal and published modifications).

NM_004183.4(BEST1):c.159C>A (p.Ala53=)

Gene: BEST1 (bestrophin 1; plus strand). Cytogenetic location: 11q12.3.
Variant type: single nucleotide variant.
Coding change: c.159C>A on transcript NM_004183.4 (MANE Select); coding-DNA position 159, C replaced by A.
Protein change: p.Ala53=; no amino-acid change (alanine 53 retained).
Molecular consequence: synonymous variant. On other transcripts: 5 prime UTR variant (2), non-coding transcript variant (1).
Genome position (GRCh38, 1-based): chr11:61,955,113, C>A. VCF-style: chr11-61955113-C-A. GRCh37 (hg19) VCF-style: chr11-61722585-C-A.
Other names: c.-22C>A (NM_001139443.3, NM_001300786.2, NM_001300787.2); c.159C>A, p.Ala53= (NM_001363592.2).
Identifiers: ClinVar variation 738245 (VCV000738245.10), dbSNP rs375873874, ClinGen allele CA6040705.